The following is an entry in ClinVar:

ClinVar aggregate classification (germline): Uncertain significance (1 of 4 stars; one submission).

Allele frequency attached by ClinVar (database versions not stated): ExAC 0.00001; gnomAD exomes 0.00001.
gnomAD v4.1: 3 of 1,614,208 alleles (0.00019%); highest among the groups gnomAD compares: East Asian, 0.0045%; no homozygotes.

Submission:

Labcorp Genetics (formerly Invitae), Labcorp
Classification: Uncertain significance. Last evaluated: 2022-09-06. Review status: criteria provided, single submitter. Criteria: Invitae Variant Classification Sherloc (09022015). Collection method: clinical testing. Allele origin: germline.
Comment: In summary, the available evidence is currently insufficient to determine the role of this variant in disease. Therefore, it has been classified as a Variant of Uncertain Significance. Algorithms developed to predict the effect of missense changes on protein structure and function are either unavailable or do not agree on the potential impact of this missense change (SIFT: "Not Available"; PolyPhen-2: "Probably Damaging"; Align-GVGD: "Not Available"). This variant has not been reported in the literature in individuals affected with CIB2-related conditions. This variant is present in population databases (rs772749856, gnomAD 0.01%). This sequence change replaces threonine, which is neutral and polar, with isoleucine, which is neutral and non-polar, at codon 136 of the CIB2 protein (p.Thr136Ile).

NM_006383.4(CIB2):c.407C>T (p.Thr136Ile)

Gene: CIB2 (calcium and integrin binding family member 2; minus strand). Cytogenetic location: 15q25.1.
Variant type: single nucleotide variant.
Coding change: c.407C>T on transcript NM_006383.4 (MANE Select); coding-DNA position 407, C replaced by T.
Protein change: p.Thr136Ile; replaces threonine 136 with isoleucine.
Molecular consequence: missense variant. On other transcripts: non-coding transcript variant (1).
Genome position (GRCh38, 1-based): chr15:78,105,874, G>A on the plus strand (C>T on the coding strand, the complement: CIB2 is on the minus strand). VCF-style: chr15-78105874-G-A. GRCh37 (hg19) VCF-style: chr15-78398216-G-A.
Other names: c.278C>T, p.Thr93Ile (NM_001271888.2); c.260C>T, p.Thr87Ile (NM_001271889.2); c.422C>T, p.Thr141Ile (NM_001301224.2); short protein forms T141I, T87I, T93I, T136I.
Identifiers: ClinVar variation 2074007 (VCV002074007.4), dbSNP rs772749856, ClinGen allele CA7680174.
Genomic context (GRCh38, chr15:78,105,874, plus strand): 5'-GCCTCCTCAATGACCTTGTCGCACACAAGCACCACCTCCTCCTCATCCAGCTCTGACTTA[G>A]TGAGCCGGGCCAGCGTCAGCTCCAGGTCCTCCTTGCAGATGAAGTTGTCAGTGTTGAAGT-3'
Protein context (NP_006374.1, residues 126-146): EDLELTLARL[Thr136Ile]KSELDEEEVV